The following is an entry in ClinVar:

ClinVar aggregate classification (germline): Uncertain significance (1 of 4 stars; one submission).

Conditions:
Dystonia 5 (DRD). Also called: Dystonia, DOPA-responsive, with or without hyperphenylalaninemia; DYT-GCH1; DYSTONIA, PROGRESSIVE, WITH DIURNAL VARIATION; DYSTONIA-PARKINSONISM WITH DIURNAL FLUCTUATION; GTP Cyclohydrolase 1-Deficient Dopa-Responsive Dystonia. Identifiers: Orphanet 98808, MedGen C1851920, MONDO:0007495, OMIM 128230.
GTP cyclohydrolase I deficiency. Identifiers: MedGen C0268467, MONDO:0100184.

Allele frequency attached by ClinVar (database versions not stated): gnomAD exomes below 0.00001; TOPMed below 0.00001; ExAC 0.00001; gnomAD 0.00001.
gnomAD v4.1: 2 of 1,612,970 alleles (0.00012%); highest among the groups gnomAD compares: African/African-American, 0.0027%; no homozygotes.

Submission:

Labcorp Genetics (formerly Invitae), Labcorp
Classification: Uncertain significance for GTP cyclohydrolase I deficiency; Dystonia 5. Last evaluated: 2021-04-16. Review status: criteria provided, single submitter. Criteria: Invitae Variant Classification Sherloc (09022015). Collection method: clinical testing. Allele origin: germline.
Comment: Algorithms developed to predict the effect of missense changes on protein structure and function are either unavailable or do not agree on the potential impact of this missense change (SIFT: "Deleterious"; PolyPhen-2: "Probably Damaging"; Align-GVGD: "Class C0"). In summary, the available evidence is currently insufficient to determine the role of this variant in disease. Therefore, it has been classified as a Variant of Uncertain Significance. This variant has not been reported in the literature in individuals with GCH1-related conditions. This variant is present in population databases (rs755556239, ExAC 0.01%). This sequence change replaces glutamic acid with glutamine at codon 84 of the GCH1 protein (p.Glu84Gln). The glutamic acid residue is highly conserved and there is a small physicochemical difference between glutamic acid and glutamine.

NM_000161.3(GCH1):c.250G>C (p.Glu84Gln)

Gene: GCH1 (GTP cyclohydrolase 1; minus strand). Cytogenetic location: 14q22.2.
Variant type: single nucleotide variant.
Coding change: c.250G>C on transcript NM_000161.3 (MANE Select); coding-DNA position 250, G replaced by C.
Protein change: p.Glu84Gln; replaces glutamic acid 84 with glutamine.
Molecular consequence: missense variant.
Genome position (GRCh38, 1-based): chr14:54,902,414, C>G on the plus strand (G>C on the coding strand, the complement: GCH1 is on the minus strand). VCF-style: chr14-54902414-C-G. GRCh37 (hg19) VCF-style: chr14-55369132-C-G.
Other names: c.250G>C, p.Glu84Gln (NM_001024024.2, NM_001024070.2, NM_001024071.2); short protein forms E84Q.
Identifiers: ClinVar variation 1035389 (VCV001035389.8), dbSNP rs755556239, ClinGen allele CA7193651.